The following is an entry in ClinVar:

NM_000155.4(GALT):c.1046T>G (p.Leu349Arg)

Gene: GALT (galactose-1-phosphate uridylyltransferase; plus strand). Cytogenetic location: 9p13.3.
Variant type: single nucleotide variant.
Coding change: c.1046T>G on transcript NM_000155.4 (MANE Select); coding-DNA position 1046, T replaced by G.
Protein change: p.Leu349Arg; replaces leucine 349 with arginine.
Molecular consequence: missense variant.
Genome position (GRCh38, 1-based): chr9:34,649,551, T>G. VCF-style: chr9-34649551-T-G. GRCh37 (hg19) VCF-style: chr9-34649548-T-G.
Other names: p.Leu349Arg; c.719T>G, p.Leu240Arg (NM_001258332.2); short protein forms L240R, L349R.
Identifiers: ClinVar variation 3381052 (VCV003381052.1).
Genomic context (GRCh38, chr9:34,649,551, plus strand): 5'-CTGCCACTGTCCGGAAATTCATGGTTGGCTACGAAATGCTTGCTCAGGCTCAGAGGGACC[T>G]CACCCCTGAGCAGGTCAGGACTCAGAACAGTCTGGCGTCTCCAGACTCTCACATGCAGTA-3'
Protein context (NP_000146.2, residues 339-359): YEMLAQAQRD[Leu349Arg]TPEQAAERLR

ClinVar aggregate classification (germline): Likely pathogenic (1 of 4 stars; one submission).

Submission:

Mayo Clinic Laboratories, Mayo Clinic
Classification: Likely pathogenic. Last evaluated: 2024-08-19. Review status: criteria provided, single submitter. Criteria: ACMG Guidelines, 2015. Collection method: clinical testing. Allele origin: germline. Observed: 1 variant allele.
Comment: PP3_strong, PP4, PM2, PM3_supporting

Literature cited by the submitters: PubMed 33197157.